The following is an entry in ClinVar:

NM_004484.4(GPC3):c.1300C>T (p.Gln434Ter)

Gene: GPC3 (glypican 3; minus strand). Cytogenetic location: Xq26.2.
Variant type: single nucleotide variant.
Coding change: c.1300C>T on transcript NM_004484.4 (MANE Select); coding-DNA position 1300, C replaced by T.
Protein change: p.Gln434Ter; replaces glutamine 434 with a stop codon.
Molecular consequence: nonsense.
Genome position (GRCh38, 1-based): chrX:133,661,843, G>A on the plus strand (C>T on the coding strand, the complement: GPC3 is on the minus strand). VCF-style: chrX-133661843-G-A. GRCh37 (hg19) VCF-style: chrX-132795871-G-A.
Other names: c.1369C>T, p.Gln457Ter (NM_001164617.2); c.1252C>T, p.Gln418Ter (NM_001164618.2); c.1138C>T, p.Gln380Ter (NM_001164619.2); short protein forms Q380*, Q434*, Q457*, Q418*.
Identifiers: ClinVar variation 1902190 (VCV001902190.5), dbSNP rs2521016626, ClinGen allele CA414704856.

ClinVar aggregate classification (germline): Pathogenic (1 of 4 stars; one submission).

Conditions:
Wilms tumor 1 (WT1). Also called: Wilms tumor, somatic. Identifiers: Orphanet 654, MedGen CN033288, MONDO:0008679, OMIM 194070.

Submission:

Labcorp Genetics (formerly Invitae), Labcorp
Classification: Pathogenic for Wilms tumor 1. Last evaluated: 2022-09-27. Review status: criteria provided, single submitter. Criteria: Invitae Variant Classification Sherloc (09022015). Collection method: clinical testing. Allele origin: germline.
Comment: For these reasons, this variant has been classified as Pathogenic. This variant has not been reported in the literature in individuals affected with GPC3-related conditions. This variant is not present in population databases (gnomAD no frequency). This sequence change creates a premature translational stop signal (p.Gln434*) in the GPC3 gene. It is expected to result in an absent or disrupted protein product. Loss-of-function variants in GPC3 are known to be pathogenic (PMID: 10402475, 12713262, 17603795).

Literature cited by the submitters: PubMed 10402475; PubMed 12713262; PubMed 17603795.